The following is an entry in ClinVar:

ClinVar aggregate classification (germline): Likely benign (1 of 4 stars; one submission).

Allele frequency attached by ClinVar (database versions not stated): gnomAD exomes 0.00003; ExAC 0.00004.
gnomAD v4.1: 55 of 1,614,086 alleles (0.0034%); highest among the groups gnomAD compares: Middle Eastern, 0.016%; no homozygotes.

Submission:

CeGaT Center for Human Genetics Tuebingen
Classification: Likely benign. Last evaluated: 2024-06-01. Review status: criteria provided, single submitter. Criteria: CeGaT Center For Human Genetics Tuebingen Variant Classification Criteria Version 2. Collection method: clinical testing. Allele origin: germline. Affected: yes. Observed: 1 variant allele.
Comment: MADD: BP4, BP7

NM_001376571.1(MADD):c.1062G>A (p.Pro354=)

Gene: MADD (MAP kinase activating death domain; plus strand). Cytogenetic location: 11p11.2.
Variant type: single nucleotide variant.
Coding change: c.1062G>A on transcript NM_001376571.1 (MANE Select); coding-DNA position 1062, G replaced by A.
Protein change: p.Pro354=; no amino-acid change (proline 354 retained).
Molecular consequence: synonymous variant. On other transcripts: non-coding transcript variant (8).
Genome position (GRCh38, 1-based): chr11:47,276,830, G>A. VCF-style: chr11-47276830-G-A. GRCh37 (hg19) VCF-style: chr11-47298381-G-A.
Other names: c.1062G>A, p.Pro354= (NM_001135943.2, NM_130475.3, NM_130476.3 and 80 more transcripts); c.858G>A, p.Pro286= (NM_001376657.1, NM_001376659.1, NM_001376660.1 and 9 more transcripts); c.396G>A, p.Pro132= (NM_001376663.1).
Identifiers: ClinVar variation 3250658 (VCV003250658.18), dbSNP rs544213854.